The following is an entry in ClinVar:

NM_001042492.3(NF1):c.205-11_205-6delinsGGAAAA

Gene: NF1 (neurofibromin 1; plus strand). Cytogenetic location: 17q11.2.
Variant type: Indel.
Coding change: c.205-11_205-6delinsGGAAAA on transcript NM_001042492.3 (MANE Select); 11 bases into the intron before coding-DNA position 205 through 6 bases into the intron before coding-DNA position 205, TTTTCT replaced by GGAAAA.
Molecular consequence: intron variant.
Genome position (GRCh38, 1-based): chr17:31,158,999-31,159,004, TTTTCT replaced by GGAAAA. VCF-style: chr17-31158999-TTTTCT-GGAAAA. GRCh37 (hg19) VCF-style: chr17-29486017-TTTTCT-GGAAAA.
Other names: c.205-11_205-6delinsGGAAAA (NM_000267.4, NM_001128147.3).
Identifiers: ClinVar variation 965529 (VCV000965529.5), dbSNP rs2065715987, ClinGen allele CA1139665350.
Genomic context (GRCh38, chr17:31,158,999, plus strand): 5'-TTTTCAGATGTGTGTTGATTGGTAGCAGAAAGTGAAACTAACTTTTATGTTCTGAATATC[TTTTCT>GGAAAA]GTTAGAGAATATTTGGAGAAGCTGCTGAAAAAAATTTATATCTCTCTCAGTTGATTATAT-3'

ClinVar aggregate classification (germline): Uncertain significance (1 of 4 stars; one submission).

Conditions:
Neurofibromatosis, type 1 (NF1). Also called: Neurofibromatosis, type I; Peripheral type neurofibromatosis; VON RECKLINGHAUSEN DISEASE; NEUROFIBROMATOSIS, TYPE I, SOMATIC. Identifiers: Orphanet 636, MedGen C0027831, MONDO:0018975, OMIM 162200. Disease mechanism: loss of function.

Submission:

Labcorp Genetics (formerly Invitae), Labcorp
Classification: Uncertain significance for Neurofibromatosis, type 1. Last evaluated: 2019-10-24. Review status: criteria provided, single submitter. Criteria: Invitae Variant Classification Sherloc (09022015). Collection method: clinical testing. Allele origin: germline.
Comment: In summary, the available evidence is currently insufficient to determine the role of this variant in disease. Therefore, it has been classified as a Variant of Uncertain Significance. Algorithms developed to predict the effect of sequence changes on RNA splicing suggest that this variant may disrupt the consensus splice site, but this prediction has not been confirmed by published transcriptional studies. This variant has not been reported in the literature in individuals with NF1-related conditions. This variant is not present in population databases (ExAC no frequency). This sequence change falls in intron 2 of the NF1 gene. It does not directly change the encoded amino acid sequence of the NF1 protein.